The following is an entry in ClinVar:

ClinVar aggregate classification (germline): Pathogenic (1 of 4 stars; one submission).

Conditions:
Hereditary cancer-predisposing syndrome. Also called: Tumor predisposition; Hereditary Cancer Syndrome; Hereditary neoplastic syndrome; Neoplastic Syndromes, Hereditary. Identifiers: Orphanet 140162, MedGen C0027672, MeSH D009386, MONDO:0015356.

Submission:

Ambry Genetics
Classification: Pathogenic for Hereditary cancer-predisposing syndrome. Last evaluated: 2016-02-04. Review status: criteria provided, single submitter. Criteria: Ambry Variant Classification Scheme 2023. Collection method: clinical testing. Allele origin: germline.
Comment: The c.1101delC pathogenic mutation, located in coding exon 8 of the BMPR1A gene, results from a deletion of one nucleotide at nucleotide position 1101, causing a translational frameshift with a predicted alternate stop codon. Since frameshifts are typically deleterious in nature, this alteration is interpreted as a disease-causing mutation (ACMG Recommendations for Standards for Interpretation and Reporting of Sequence Variations. Revision 2007. Genet Med. 2008;10:294).

NM_004329.3(BMPR1A):c.1101del (p.Asn367fs)

Gene: BMPR1A (bone morphogenetic protein receptor type 1A; plus strand). Cytogenetic location: 10q23.2.
Variant type: Deletion.
Coding change: c.1101del on transcript NM_004329.3 (MANE Select); coding-DNA position 1101, one base deleted (C; older notation c.1101delC).
Protein change: p.Asn367fs; shifts the reading frame from asparagine 367.
Molecular consequence: frameshift variant.
Genome position (GRCh38, 1-based): chr10:86,919,404, C deleted. VCF-style (leftmost placement, unchanged base first): chr10-86919403-AC-A. GRCh37 (hg19) VCF-style: chr10-88679160-AC-A.
Other names: c.1101delC (NM_004329.2); short protein forms N367fs.
Identifiers: ClinVar variation 486796 (VCV000486796.5), dbSNP rs1554891102, ClinGen allele CA658657990.